The following is an entry in ClinVar:

ClinVar aggregate classification (germline): Likely benign (1 of 4 stars; one submission).

Allele frequency attached by ClinVar (database versions not stated): gnomAD 0.00107; TOPMed 0.00118; 1000 Genomes Project 30x 0.00219; 1000 Genomes Project 0.00220.
gnomAD v4.1: 2,108 of 1,612,748 alleles (0.13%); highest among the groups gnomAD compares: East Asian, 0.6%; 3 homozygotes.

Submission:

CeGaT Center for Human Genetics Tuebingen
Classification: Likely benign. Last evaluated: 2023-03-01. Review status: criteria provided, single submitter. Criteria: CeGaT Center For Human Genetics Tuebingen Variant Classification Criteria Version 2. Collection method: clinical testing. Allele origin: germline. Affected: yes. Observed: 1 variant allele.
Comment: EMP1: BP4, BP7

NM_001423.3(EMP1):c.33C>T (p.Val11=)

Gene: EMP1 (epithelial membrane protein 1; plus strand). Cytogenetic location: 12p13.1.
Variant type: single nucleotide variant.
Coding change: c.33C>T on transcript NM_001423.3 (MANE Select); coding-DNA position 33, C replaced by T.
Protein change: p.Val11=; no amino-acid change (valine 11 retained).
Molecular consequence: synonymous variant.
Genome position (GRCh38, 1-based): chr12:13,211,543, C>T. VCF-style: chr12-13211543-C-T. GRCh37 (hg19) VCF-style: chr12-13364477-C-T.
Identifiers: ClinVar variation 2642743 (VCV002642743.24), dbSNP rs2291061, ClinGen allele CA6460393.